The following is an entry in ClinVar:

NM_001267550.2(TTN):c.79793T>G (p.Leu26598Ter)

Genes: TTN-AS1 (TTN antisense RNA 1; plus strand), TTN (titin; minus strand). Cytogenetic location: 2q31.2.
Variant type: single nucleotide variant.
Coding change: c.79793T>G on transcript NM_001267550.2 (MANE Select); coding-DNA position 79793, T replaced by G.
Protein change: p.Leu26598Ter; replaces leucine 26598 with a stop codon.
Molecular consequence: nonsense.
Genome position (GRCh38, 1-based): chr2:178,566,339, A>C on the plus strand (T>G on the coding strand, the complement: TTN is on the minus strand). VCF-style: chr2-178566339-A-C. GRCh37 (hg19) VCF-style: chr2-179431066-A-C.
Other names: c.74870T>G, p.Leu24957Ter (NM_001256850.1); c.52598T>G, p.Leu17533Ter (NM_003319.4); c.72089T>G, p.Leu24030Ter (NM_133378.4); c.52973T>G, p.Leu17658Ter (NM_133432.3); c.53174T>G, p.Leu17725Ter (NM_133437.4); short protein forms L24957*, L26598*, L17658*, L17725*, L17533*, L24030*.
Identifiers: ClinVar variation 419658 (VCV000419658.12), dbSNP rs1064794023, ClinGen allele CA16617346.

ClinVar aggregate classification (germline): Pathogenic/Likely pathogenic. Review status: criteria provided, multiple submitters, no conflicts (2 of 4 stars). 2 submissions from 2 submitters: Pathogenic (1); Likely pathogenic (1). Last evaluated 2019-08-01.

Conditions:
Dilated cardiomyopathy 1G (CMD1G). Identifiers: Orphanet 154, MedGen C1858763, MONDO:0011400, OMIM 604145.
Autosomal recessive limb-girdle muscular dystrophy type 2J (LGMDR10). Also called: Limb-girdle muscular dystrophy, type 2J; MUSCULAR DYSTROPHY, LIMB-GIRDLE, AUTOSOMAL RECESSIVE 10. Identifiers: Orphanet 140922, MedGen C1837342, MONDO:0012127, OMIM 608807.

Submissions (2):

Labcorp Genetics (formerly Invitae), Labcorp
Classification: Likely pathogenic for Dilated cardiomyopathy 1G; Autosomal recessive limb-girdle muscular dystrophy type 2J. Last evaluated: 2019-08-01. Review status: criteria provided, single submitter. Criteria: Invitae Variant Classification Sherloc (09022015). Collection method: clinical testing. Allele origin: germline.
Comment: In summary, the currently available evidence indicates that the variant is pathogenic, but additional data are needed to prove that conclusively. Therefore, this variant has been classified as Likely Pathogenic. This variant is located in the A band of TTN (PMID: 25589632). Truncating variants in this region are significantly overrepresented in patients affected with dilated cardiomyopathy (PMID: 25589632). Truncating variants in this region have also been reported in individuals affected with autosomal recessive centronuclear myopathy (PMID: 23975875). This variant has not been reported in the literature in individuals with TTN-related conditions. ClinVar contains an entry for this variant (Variation ID: 419658). This variant is not present in population databases (ExAC no frequency). This sequence change results in a premature translational stop signal in the TTN gene (p.Leu26598*). While this is not anticipated to result in nonsense mediated decay, it is expected to create a truncated TTN protein.

GeneDx
Classification: Pathogenic. Last evaluated: 2016-05-09. Review status: criteria provided, single submitter. Criteria: GeneDx Variant Classification (06012015). Collection method: clinical testing. Allele origin: germline. Affected: yes.
Comment: The L24030X pathogenic nonsense variant in the TTN gene is predicted to cause loss of normalprotein function either through protein truncation or nonsense-mediated mRNA decay. The L24030Xvariant is located in the A-band of the titin protein, where the majority of pathogenic truncatingvariants have been reported. Furthermore, L24030X was not observed in approximately 6,200individuals of European and African American ancestry in the NHLBI Exome Sequencing Project,indicating it is not a common benign variant in these populations. Although this variant has not beenreported previously to our knowledge, other nonsense variants in the TTN gene have been previouslyreported in association with TTN-related disorders. Therefore, we interpret L24030X as a pathogenicvariant.

Literature cited by the submitters: PubMed 25589632 (cited by Labcorp Genetics (formerly Invitae), Labcorp); PubMed 23975875 (cited by Labcorp Genetics (formerly Invitae), Labcorp).